The following is an entry in ClinVar:

ClinVar aggregate classification (germline): Uncertain significance (1 of 4 stars; one submission).

Conditions:
WDR26-related disorder. Also called: WDR26-related condition.

Submission:

PreventionGenetics, part of Exact Sciences
Classification: Uncertain significance for WDR26-related condition. Last evaluated: 2023-07-26. Review status: criteria provided, single submitter. Criteria: ACMG Guidelines, 2015. Collection method: clinical testing. Allele origin: germline.
Comment: The WDR26 c.1946_1949delinsTTTGTATAATGTT variant is predicted to result in an in-frame deletion and insertion. To our knowledge, this variant has not been reported in the literature or in a large population database, indicating this variant is rare. To our knowledge, in-frame WDR26 deletions have not previously been reported as pathogenic, with the majority of variants causing premature termination (Skraban. 2017. PubMed ID: 28686853). While we suspect this variant is pathogenic, at this time, the clinical significance of this variant is uncertain due to the absence of conclusive functional and genetic evidence.

NM_001379403.1(WDR26):c.2246_2249delinsTTTGTATAATGTT (p.His749_Gln750delinsLeuCysIleMetLeu)

Gene: WDR26 (WD repeat domain 26; minus strand). Cytogenetic location: 1q42.11.
Variant type: Indel.
Coding change: c.2246_2249delinsTTTGTATAATGTT on transcript NM_001379403.1 (MANE Select); coding-DNA positions 2246 to 2249, ACCA replaced by TTTGTATAATGTT.
Protein change: p.His749_Gln750delinsLeuCysIleMetLeu.
Molecular consequence: inframe indel.
Genome position (GRCh38, 1-based): chr1:224,393,839-224,393,842, TGGT replaced by AACATTATACAAA on the plus strand (ACCA replaced by TTTGTATAATGTT on the coding strand, the reverse complement: WDR26 is on the minus strand). VCF-style: chr1-224393839-TGGT-AACATTATACAAA. GRCh37 (hg19) VCF-style: chr1-224581541-TGGT-AACATTATACAAA.
Other names: c.1898_1901delinsTTTGTATAATGTT, p.His633_Gln634delinsLeuCysIleMetLeu (NM_001115113.3); c.1946_1949delinsTTTGTATAATGTT, p.His649_Gln650delinsLeuCysIleMetLeu (NM_025160.7).
Identifiers: ClinVar variation 2631771 (VCV002631771.1), dbSNP rs2464663734, ClinGen allele CA2695200028.